The following is an entry in ClinVar:

NM_000824.5(GLRB):c.242A>G (p.Asp81Gly)

Gene: GLRB (glycine receptor beta; plus strand). Cytogenetic location: 4q32.1.
Variant type: single nucleotide variant.
Coding change: c.242A>G on transcript NM_000824.5 (MANE Select); coding-DNA position 242, A replaced by G.
Protein change: p.Asp81Gly; replaces aspartic acid 81 with glycine.
Molecular consequence: missense variant.
Genome position (GRCh38, 1-based): chr4:157,122,342, A>G. VCF-style: chr4-157122342-A-G. GRCh37 (hg19) VCF-style: chr4-158043494-A-G.
Other names: c.242A>G, p.Asp81Gly (NM_001166060.2, NM_001166061.2); short protein forms D81G.
Identifiers: ClinVar variation 643650 (VCV000643650.10), dbSNP rs748982851, ClinGen allele CA358641866.

ClinVar aggregate classification (germline): Uncertain significance (1 of 4 stars; one submission).

Conditions:
Hyperekplexia 2 (HKPX2). Identifiers: Orphanet 3197, MedGen C3553291, MONDO:0013828, OMIM 614619.

Submission:

Labcorp Genetics (formerly Invitae), Labcorp
Classification: Uncertain significance for Hyperekplexia 2. Last evaluated: 2020-02-21. Review status: criteria provided, single submitter. Criteria: Invitae Variant Classification Sherloc (09022015). Collection method: clinical testing. Allele origin: germline.
Comment: Algorithms developed to predict the effect of missense changes on protein structure and function are either unavailable or do not agree on the potential impact of this missense change (SIFT: "Deleterious"; PolyPhen-2: "Benign"; Align-GVGD: "Class C15"). This sequence change replaces aspartic acid with glycine at codon 81 of the GLRB protein (p.Asp81Gly). The aspartic acid residue is highly conserved and there is a moderate physicochemical difference between aspartic acid and glycine. This variant is not present in population databases (ExAC no frequency). This variant has not been reported in the literature in individuals with GLRB-related disease. In summary, the available evidence is currently insufficient to determine the role of this variant in disease. Therefore, it has been classified as a Variant of Uncertain Significance.